The following is an entry in ClinVar:

ClinVar aggregate classification (germline): Pathogenic/Likely pathogenic. Review status: criteria provided, multiple submitters, no conflicts (2 of 4 stars). 4 submissions from 4 submitters: Pathogenic (2); Likely pathogenic (1). 1 of the submissions does not count toward it. Last evaluated 2024-03-01.

Conditions:
Pulmonary hypertension, neonatal, susceptibility to (PHN). Identifiers: MedGen C3714958, MONDO:0014151, OMIM 615371.
Congenital hyperammonemia, type I. Also called: Carbamoyl-phosphate synthase I deficiency; Carbamoyl phosphate synthetase I deficiency disease; CPS I DEFICIENCY; Carbamoyl phosphate synthetase 1 deficiency; Hyperammonemia due to carbamoyl phosphate synthetase 1 deficiency; CPS 1 deficiency. Identifiers: Orphanet 147, MedGen C4082171, MONDO:0009376, OMIM 237300.

gnomAD v4.1: 11 of 1,612,480 alleles (0.00068%); highest among the groups gnomAD compares: South Asian, 0.0011%; no homozygotes.

Submissions (4):

Fulgent Genetics
Classification: Likely pathogenic for Congenital hyperammonemia, type I; Pulmonary hypertension, neonatal, susceptibility to. Last evaluated: 2024-03-01. Review status: criteria provided, single submitter. Criteria: ACMG Guidelines, 2015. Collection method: clinical testing. Allele origin: germline.

Labcorp Genetics (formerly Invitae), Labcorp
Classification: Pathogenic for Congenital hyperammonemia, type I. Last evaluated: 2023-10-08. Review status: criteria provided, single submitter. Criteria: Invitae Variant Classification Sherloc (09022015). Collection method: clinical testing. Allele origin: germline.
Comment: This sequence change replaces arginine, which is basic and polar, with histidine, which is basic and polar, at codon 587 of the CPS1 protein (p.Arg587His). This variant is not present in population databases (gnomAD no frequency). This missense change has been observed in individuals with carbamoyl phosphate synthetase I deficiency (PMID: 9686343, 20855223, 27150549, 31749211). ClinVar contains an entry for this variant (Variation ID: 549934). Advanced modeling of protein sequence and biophysical properties (such as structural, functional, and spatial information, amino acid conservation, physicochemical variation, residue mobility, and thermodynamic stability) performed at Invitae indicates that this missense variant is expected to disrupt CPS1 protein function. Experimental studies have shown that this missense change affects CPS1 function (PMID: 15876373). For these reasons, this variant has been classified as Pathogenic.

Women's Health and Genetics/Laboratory Corporation of America, LabCorp
Classification: Pathogenic for Congenital hyperammonemia, type I. Last evaluated: 2021-07-26. Review status: criteria provided, single submitter. Criteria: LabCorp Variant Classification Summary - May 2015. Collection method: clinical testing. Allele origin: germline.
Comment: Variant summary: CPS1 c.1760G>A (p.Arg587His) results in a non-conservative amino acid change located in the Carbamoyl-phosphate synthetase large subunit-like, ATP-binding domain (IPR005479) of the encoded protein sequence. Five of five in-silico tools predict a damaging effect of the variant on protein function. The variant was absent in 250578 control chromosomes (gnomAD). c.1760G>A has been reported in the literature in individuals affected with Carbamoylphosphate Synthetase I Deficiency, including one homozygote (Summar_1998, Kurokawa_2007, Wang_2010, Fan_2019). These data indicate that the variant is likely to be associated with disease. At least one functional study reports this variant affects the residue of the catalytic site and has been shown to practically abolished enzyme activity by blocking carbamate synthesis (Yefimenko_2005). Two ClinVar submitters (evaluation after 2014) cite the variant as pathogenic and likely pathogenic. Based on the evidence outlined above, the variant was classified as pathogenic.

Counsyl
Classification: Likely pathogenic for Congenital hyperammonemia, type I. Last evaluated: 2017-04-21. Review status: no assertion criteria provided. Collection method: clinical testing. Allele origin: unknown. Not counted in ClinVar's aggregate classification.

Literature cited by the submitters: PubMed 9686343 (cited by 3 submitters); PubMed 20855223 (cited by 3 submitters); PubMed 27150549 (cited by 3 submitters); PubMed 31749211 (cited by Labcorp Genetics (formerly Invitae), Labcorp and Women's Health and Genetics/Laboratory Corporation of America, LabCorp); PubMed 15876373 (cited by 3 submitters); PubMed 20800523 (cited by Women's Health and Genetics/Laboratory Corporation of America, LabCorp); PubMed 21120950 (cited by Women's Health and Genetics/Laboratory Corporation of America, LabCorp and Counsyl); PubMed 17310273 (cited by Women's Health and Genetics/Laboratory Corporation of America, LabCorp and Counsyl); PubMed 31507628 (cited by Women's Health and Genetics/Laboratory Corporation of America, LabCorp); PubMed 33551825 (cited by Women's Health and Genetics/Laboratory Corporation of America, LabCorp); PubMed 33851512 (cited by Women's Health and Genetics/Laboratory Corporation of America, LabCorp); PubMed 21108709 (cited by Women's Health and Genetics/Laboratory Corporation of America, LabCorp); PubMed 22494545 (cited by Women's Health and Genetics/Laboratory Corporation of America, LabCorp).

NM_001875.5(CPS1):c.1760G>A (p.Arg587His)

Gene: CPS1 (carbamoyl-phosphate synthase 1; plus strand). Cytogenetic location: 2q34.
Variant type: single nucleotide variant.
Coding change: c.1760G>A on transcript NM_001875.5 (MANE Select); coding-DNA position 1760, G replaced by A.
Protein change: p.Arg587His; replaces arginine 587 with histidine.
Molecular consequence: missense variant. On other transcripts: non-coding transcript variant (2).
Genome position (GRCh38, 1-based): chr2:210,602,254, G>A. VCF-style: chr2-210602254-G-A. GRCh37 (hg19) VCF-style: chr2-211466978-G-A.
Other names: c.1760G>A, p.Arg587His (NM_001369257.1, NM_001122633.3); c.1760G>A (LRG_336t1); c.1793G>A, p.Arg598His (NM_001369256.1); short protein forms R587H, R598H.
Identifiers: ClinVar variation 549934 (VCV000549934.10), dbSNP rs1553512642, ClinGen allele CA350437442.